The following is an entry in ClinVar:

ClinVar aggregate classification (germline): Benign. Review status: criteria provided, single submitter (1 of 4 stars). 2 submissions from 2 submitters: Benign (1). 1 of the submissions does not count toward it. Last evaluated 2025-08-06.

Conditions:
ARID1B-Related Disorder. Identifiers: MedGen CN381337.

Allele frequency attached by ClinVar (database versions not stated): TOPMed 0.00001; gnomAD 0.00003; gnomAD exomes 0.00006; ExAC 0.00009; 1000 Genomes Project 30x 0.00016; 1000 Genomes Project 0.00020.
gnomAD v4.1: 78 of 1,536,604 alleles (0.0051%); highest among the groups gnomAD compares: South Asian, 0.096%; 2 homozygotes.

Submissions (2):

Labcorp Genetics (formerly Invitae), Labcorp
Classification: Benign. Last evaluated: 2025-08-06. Review status: criteria provided, single submitter. Criteria: Invitae Variant Classification Sherloc (09022015). Collection method: clinical testing. Allele origin: germline.

PreventionGenetics, part of Exact Sciences
Classification: Likely benign for ARID1B-related condition. Last evaluated: 2019-04-09. Review status: no assertion criteria provided. Collection method: clinical testing. Allele origin: germline. Not counted in ClinVar's aggregate classification.
Comment: This variant is classified as likely benign based on ACMG/AMP sequence variant interpretation guidelines (Richards et al. 2015 PMID: 25741868, with internal and published modifications).

NM_001374828.1(ARID1B):c.7053A>G (p.Ser2351=)

Gene: ARID1B (AT-rich interaction domain 1B; plus strand). Cytogenetic location: 6q25.3.
Variant type: single nucleotide variant.
Coding change: c.7053A>G on transcript NM_001374828.1 (MANE Select); coding-DNA position 7053, A replaced by G.
Protein change: p.Ser2351=; no amino-acid change (serine 2351 retained).
Molecular consequence: synonymous variant.
Genome position (GRCh38, 1-based): chr6:157,207,825, A>G. VCF-style: chr6-157207825-A-G. GRCh37 (hg19) VCF-style: chr6-157528959-A-G.
Other names: c.6804A>G, p.Ser2268= (NM_001346813.1); c.4554A>G, p.Ser1518= (NM_001363725.2); c.6933A>G, p.Ser2311= (NM_001371656.1, NM_001374820.1); c.6894A>G, p.Ser2298= (NM_017519.3); c.6684A>G, p.Ser2228= (NM_020732.3); c.6471A>G, p.Ser2157= (NM_175863.2).
Identifiers: ClinVar variation 3058064 (VCV003058064.4), dbSNP rs550015240, ClinGen allele CA4068099.